The following is an entry in ClinVar:

NM_000283.4(PDE6B):c.927+4A>C

Genes: PDE6B (phosphodiesterase 6B; plus strand), PDE6B-AS1 (PDE6B antisense RNA 1; minus strand). Cytogenetic location: 4p16.3.
Variant type: single nucleotide variant.
Coding change: c.927+4A>C on transcript NM_000283.4 (MANE Select); 4 bases into the intron after coding-DNA position 927, A replaced by C.
Molecular consequence: intron variant.
Genome position (GRCh38, 1-based): chr4:654,158, A>C. VCF-style: chr4-654158-A-C. GRCh37 (hg19) VCF-style: chr4-647947-A-C.
Other names: c.90+4A>C (NM_001379247.1, NM_001145292.2, NM_001350154.3 and 1 more transcripts); c.-114+4A>C (NM_001350155.3); c.927+4A>C (NM_001145291.2).
Identifiers: ClinVar variation 1922838 (VCV001922838.5), dbSNP rs750553192, ClinGen allele CA2794181.

ClinVar aggregate classification (germline): Uncertain significance (1 of 4 stars; one submission).

Allele frequency attached by ClinVar (database versions not stated): ExAC 0.00001; gnomAD exomes 0.00001.
gnomAD v4.1: 19 of 1,612,392 alleles (0.0012%); highest among the groups gnomAD compares: Non-Finnish European, 0.0016%; no homozygotes.

Submission:

Labcorp Genetics (formerly Invitae), Labcorp
Classification: Uncertain significance. Last evaluated: 2022-02-12. Review status: criteria provided, single submitter. Criteria: Invitae Variant Classification Sherloc (09022015). Collection method: clinical testing. Allele origin: germline.
Comment: In summary, the available evidence is currently insufficient to determine the role of this variant in disease. Therefore, it has been classified as a Variant of Uncertain Significance. This sequence change falls in intron 5 of the PDE6B gene. It does not directly change the encoded amino acid sequence of the PDE6B protein. It affects a nucleotide within the consensus splice site. This variant is present in population databases (rs750553192, gnomAD 0.002%). This variant has not been reported in the literature in individuals affected with PDE6B-related conditions. Variants that disrupt the consensus splice site are a relatively common cause of aberrant splicing (PMID: 17576681, 9536098). Algorithms developed to predict the effect of sequence changes on RNA splicing suggest that this variant may disrupt the consensus splice site.

Literature cited by the submitters: PubMed 17576681; PubMed 9536098.